The following is an entry in ClinVar:

ClinVar aggregate classification (germline): Likely pathogenic (1 of 4 stars; one submission).

Submission:

GeneDx
Classification: Likely pathogenic. Last evaluated: 2018-04-20. Review status: criteria provided, single submitter. Criteria: GeneDx Variant Classification (06012015). Collection method: clinical testing. Allele origin: germline. Affected: yes.
Comment: Although the c.667delA likely pathogenic variant in the DSG2 gene has not been reported to our knowledge, this variant causes a shift in reading frame starting at codon threonine 223, changing it to a proline, and creating a premature stop codon at position 15 of the new reading frame, denoted p.Thr223ProfsX15. This variant is expected to result in either an abnormal, truncated protein product or loss of protein from this allele through nonsense-mediated mRNA decay. Other frameshift variants in the DSG2 gene have been reported in the Human Gene Mutation Database in association with ARVC (Stenson et al., 2014), indicating that loss of function is a mechanism of disease for this gene. Furthermore, the c.667delA variant has not been observed in large population cohorts (Lek et al., 2016).

NM_001943.5(DSG2):c.667del (p.Thr223fs)

Gene: DSG2 (desmoglein 2; plus strand). Cytogenetic location: 18q12.1.
Variant type: Deletion.
Coding change: c.667del on transcript NM_001943.5 (MANE Select); coding-DNA position 667, one base deleted (A; older notation c.667delA).
Protein change: p.Thr223fs; shifts the reading frame from threonine 223.
Molecular consequence: frameshift variant.
Genome position (GRCh38, 1-based): chr18:31,522,226, A deleted; the last of 2 consecutive A bases (chr18:31,522,225-31,522,226); deleting either gives the same sequence. VCF-style (leftmost placement, unchanged base first): chr18-31522224-CA-C. GRCh37 (hg19) VCF-style: chr18-29102187-CA-C.
Other names: c.667del (LRG_397t1); short protein forms T223fs.
Identifiers: ClinVar variation 524123 (VCV000524123.2), dbSNP rs1555671335, ClinGen allele CA658799038.
Genomic context (GRCh38, chr18:31,522,224, plus strand): 5'-CTCTGGAGCCTGCTTATCCTCCAGTGTTCTACCTAAATAAAGATACAGGAGAGATTTATA[CA>C]ACCAGTGTTACCTTGGACAGAGAGGTAAGTTAATATGTTATGTTGCCCATCTTTAAACTC-3'